The following is an entry in ClinVar:

NM_000342.4(SLC4A1):c.389G>C (p.Gly130Ala)

Gene: SLC4A1 (solute carrier family 4 member 1 (Diego blood group); minus strand). Cytogenetic location: 17q21.31.
Variant type: single nucleotide variant.
Coding change: c.389G>C on transcript NM_000342.4 (MANE Select); coding-DNA position 389, G replaced by C.
Protein change: p.Gly130Ala; replaces glycine 130 with alanine.
Molecular consequence: missense variant.
Genome position (GRCh38, 1-based): chr17:44,260,500, C>G on the plus strand (G>C on the coding strand, the complement: SLC4A1 is on the minus strand). VCF-style: chr17-44260500-C-G. GRCh37 (hg19) VCF-style: chr17-42337868-C-G.
Other names: short protein forms G130A.
Identifiers: ClinVar variation 3618850 (VCV003618850.2).
Genomic context (GRCh38, chr17:44,260,500, plus strand): 5'-CGGTCCTGAGGCCGGATCTGGTCTTCAAAGATAAACCTGTCTAGCAGTTGGTTGGCCACT[C>G]CAGCCAGGGAGGTCTCTTGCAGGTCTAGGAGGACAGTACCTGCAGGCAGTGGAGGAGTGA-3'
Protein context (NP_000333.1, residues 120-140): LLDLQETSLA[Gly130Ala]VANQLLDRFI

ClinVar aggregate classification (germline): Uncertain significance (1 of 4 stars; one submission).

gnomAD v4.1: 6 of 1,614,166 alleles (0.00037%); highest among the groups gnomAD compares: Non-Finnish European, 0.00042%; no homozygotes.

Submission:

Labcorp Genetics (formerly Invitae), Labcorp
Classification: Uncertain significance. Last evaluated: 2024-03-15. Review status: criteria provided, single submitter. Criteria: Invitae Variant Classification Sherloc (09022015). Collection method: clinical testing. Allele origin: germline.
Comment: This sequence change replaces glycine, which is neutral and non-polar, with alanine, which is neutral and non-polar, at codon 130 of the SLC4A1 protein (p.Gly130Ala). This variant is present in population databases (no rsID available, gnomAD 0.0009%). This variant has not been reported in the literature in individuals affected with SLC4A1-related conditions. Advanced modeling of protein sequence and biophysical properties (such as structural, functional, and spatial information, amino acid conservation, physicochemical variation, residue mobility, and thermodynamic stability) performed at Invitae indicates that this missense variant is not expected to disrupt SLC4A1 protein function with a negative predictive value of 80%. In summary, the available evidence is currently insufficient to determine the role of this variant in disease. Therefore, it has been classified as a Variant of Uncertain Significance.